The following is an entry in ClinVar:

ClinVar aggregate classification (germline): Conflicting classifications of pathogenicity. Review status: criteria provided, conflicting classifications (1 of 4 stars). 3 submissions from 3 submitters: Likely pathogenic (2); Uncertain significance (1). Last evaluated 2025-03-10.

Conditions:
Joubert syndrome 17 (JBTS17). Identifiers: Orphanet 475, MedGen C3553264, MONDO:0013824, OMIM 614615.

Allele frequency attached by ClinVar (database versions not stated): gnomAD 0.00001; gnomAD exomes 0.00001; ExAC 0.00002; TOPMed 0.00003.
gnomAD v4.1: 11 of 1,544,554 alleles (0.00071%); highest among the groups gnomAD compares: African/African-American, 0.014%; no homozygotes.

Submissions (3):

Labcorp Genetics (formerly Invitae), Labcorp
Classification: Likely pathogenic. Last evaluated: 2025-03-10. Review status: criteria provided, single submitter. Criteria: Invitae Variant Classification Sherloc (09022015). Collection method: clinical testing. Allele origin: germline.
Comment: This sequence change affects an acceptor splice site in intron 25 of the CPLANE1 gene. It is expected to disrupt RNA splicing. Variants that disrupt the donor or acceptor splice site typically lead to a loss of protein function (PMID: 16199547), and loss-of-function variants in CPLANE1 are known to be pathogenic (PMID: 24178751, 26092869). This variant is present in population databases (rs774492992, gnomAD 0.01%). This variant has not been reported in the literature in individuals affected with CPLANE1-related conditions. ClinVar contains an entry for this variant (Variation ID: 1066780). Algorithms developed to predict the effect of sequence changes on RNA splicing suggest that this variant may disrupt the consensus splice site. In summary, the currently available evidence indicates that the variant is pathogenic, but additional data are needed to prove that conclusively. Therefore, this variant has been classified as Likely Pathogenic.

GeneDx
Classification: Uncertain significance. Last evaluated: 2024-12-03. Review status: criteria provided, single submitter. Criteria: GeneDx Variant Classification Process June 2021. Collection method: clinical testing. Allele origin: germline. Affected: yes.
Comment: Canonical splice site variant predicted to result in a null allele in a gene for which loss of function is a known mechanism of disease; Has not been previously published as pathogenic or benign to our knowledge

Division of Human Genetics, National Health Laboratory Service/University of the Witwatersrand
Classification: Likely pathogenic for Joubert syndrome 17. Last evaluated: 2023-07-01. Review status: criteria provided, single submitter. Criteria: ACMG Guidelines, 2015. Collection method: research. Allele origin: germline. Affected: yes.

Literature cited by the submitters: PubMed 16199547 (cited by Labcorp Genetics (formerly Invitae), Labcorp); PubMed 24178751 (cited by Labcorp Genetics (formerly Invitae), Labcorp); PubMed 26092869 (cited by Labcorp Genetics (formerly Invitae), Labcorp).

NM_001384732.1(CPLANE1):c.4482-1G>T

Gene: CPLANE1 (ciliogenesis and planar polarity effector complex subunit 1; minus strand). Cytogenetic location: 5p13.2.
Variant type: single nucleotide variant.
Coding change: c.4482-1G>T on transcript NM_001384732.1 (MANE Select); the canonical splice acceptor site of the intron before coding-DNA position 4482, G replaced by T.
Molecular consequence: splice acceptor variant.
Genome position (GRCh38, 1-based): chr5:37,183,700, C>A on the plus strand (G>T on the coding strand, the complement: CPLANE1 is on the minus strand). VCF-style: chr5-37183700-C-A. GRCh37 (hg19) VCF-style: chr5-37183802-C-A.
Other names: c.4482-1G>T (NM_023073.4).
Identifiers: ClinVar variation 1066780 (VCV001066780.9), dbSNP rs774492992, ClinGen allele CA3238684.
Genomic context (GRCh38, chr5:37,183,700, plus strand): 5'-ATTTTCCTTTTATCAGTTGGCTTATGAATTGATGTTAATTCCATGTGATTTGGGGCATTT[C>A]TATAGCAAAAAAATAAAATAAGACAAAATTAGAGATCATTTAATCACTAAAACTGATCTT-3'